The following is an entry in ClinVar:

ClinVar aggregate classification (germline): Uncertain significance (1 of 4 stars; one submission).

Conditions:
Centromeric instability of chromosomes 1,9 and 16 and immunodeficiency (ICF1). Also called: CENTROMERIC INSTABILITY, IMMUNODEFICIENCY SYNDROME; Immunodeficiency-centromeric instability-facial anomalies; IMMUNE DEFICIENCY, VARIABLE, WITH CENTROMERIC INSTABILITY OF CHROMOSOMES 1, 9, AND 16; IMMUNODEFICIENCY SYNDROME, VARIABLE. Identifiers: Orphanet 2268, MedGen C0398788, MONDO:0000133.

Allele frequency attached by ClinVar (database versions not stated): gnomAD exomes below 0.00001 and 0.00001; ExAC 0.00001.
gnomAD v4.1: 9 of 1,614,138 alleles (0.00056%); highest among the groups gnomAD compares: South Asian, 0.0011%; no homozygotes.

Submission:

Labcorp Genetics (formerly Invitae), Labcorp
Classification: Uncertain significance for Centromeric instability of chromosomes 1,9 and 16 and immunodeficiency. Last evaluated: 2021-08-19. Review status: criteria provided, single submitter. Criteria: Invitae Variant Classification Sherloc (09022015). Collection method: clinical testing. Allele origin: germline.
Comment: This sequence change falls in intron 11 of the DNMT3B gene. It does not directly change the encoded amino acid sequence of the DNMT3B protein. It affects a nucleotide within the consensus splice site of the intron. This variant is present in population databases (rs759270839, ExAC 0.006%). This variant has not been reported in the literature in individuals affected with DNMT3B-related conditions. Variants that disrupt the consensus splice site are a relatively common cause of aberrant splicing (PMID: 17576681, 9536098). Algorithms developed to predict the effect of sequence changes on RNA splicing suggest that this variant may disrupt the consensus splice site. In summary, the available evidence is currently insufficient to determine the role of this variant in disease. Therefore, it has been classified as a Variant of Uncertain Significance.

Literature cited by the submitters: PubMed 17576681; PubMed 9536098.

NM_006892.4(DNMT3B):c.1252+6T>G

Gene: DNMT3B (DNA methyltransferase 3 beta; plus strand). Cytogenetic location: 20q11.21.
Variant type: single nucleotide variant.
Coding change: c.1252+6T>G on transcript NM_006892.4 (MANE Select); 6 bases into the intron after coding-DNA position 1252, T replaced by G.
Molecular consequence: intron variant.
Genome position (GRCh38, 1-based): chr20:32,795,540, T>G. VCF-style: chr20-32795540-T-G. GRCh37 (hg19) VCF-style: chr20-31383346-T-G.
Other names: c.1192+6T>G (NM_175848.2, NM_175849.2); c.1066+6T>G (NM_001207055.2); c.964+6T>G (NM_001207056.2); c.1228+6T>G (NM_175850.3).
Identifiers: ClinVar variation 1505032 (VCV001505032.3), dbSNP rs759270839, ClinGen allele CA9810474.